The following is an entry in ClinVar:

NM_001204.7(BMPR2):c.2327A>C (p.Lys776Thr)

Gene: BMPR2 (bone morphogenetic protein receptor type 2; plus strand). Cytogenetic location: 2q33.2.
Variant type: single nucleotide variant.
Coding change: c.2327A>C on transcript NM_001204.7 (MANE Select); coding-DNA position 2327, A replaced by C.
Protein change: p.Lys776Thr; replaces lysine 776 with threonine.
Molecular consequence: missense variant.
Genome position (GRCh38, 1-based): chr2:202,555,992, A>C. VCF-style: chr2-202555992-A-C. GRCh37 (hg19) VCF-style: chr2-203420715-A-C.
Other names: short protein forms K776T.
Identifiers: ClinVar variation 3824787 (VCV003824787.1).
Genomic context (GRCh38, chr2:202,555,992, plus strand): 5'-CTAGTTTGCCTTTGAACACCAAAAATTCAACAAAAGAGCCCCGGCTAAAATTTGGCAGCA[A>C]GCACAAATCAAACTTGAAACAAGTCGAAACTGGAGTTGCCAAGATGAATACAATCAATGC-3'
Protein context (NP_001195.2, residues 766-786): TKEPRLKFGS[Lys776Thr]HKSNLKQVET

ClinVar aggregate classification (germline): Uncertain significance (1 of 4 stars; one submission).

Conditions:
Inborn genetic diseases. Identifiers: MedGen C0950123, MeSH D030342.

gnomAD v4.1: 1 of 1,614,052 alleles (0.000062%); highest among the groups gnomAD compares: African/African-American, 0.0013%; no homozygotes.

Submission:

Ambry Genetics
Classification: Uncertain significance for Inborn genetic diseases. Last evaluated: 2024-12-28. Review status: criteria provided, single submitter. Criteria: Ambry Variant Classification Scheme 2023. Collection method: clinical testing. Allele origin: germline.
Comment: The p.K776T variant (also known as c.2327A>C), located in coding exon 12 of the BMPR2 gene, results from an A to C substitution at nucleotide position 2327. The lysine at codon 776 is replaced by threonine, an amino acid with similar properties. This amino acid position is conserved. In addition, the in silico prediction for this alteration is inconclusive. Based on the available evidence, the clinical significance of this variant remains unclear.